The following is an entry in ClinVar:

NM_001130004.2(ACTN1):c.1927G>A (p.Gly643Arg)

Gene: ACTN1 (actinin alpha 1; minus strand). Cytogenetic location: 14q24.1.
Variant type: single nucleotide variant.
Coding change: c.1927G>A on transcript NM_001130004.2 (MANE Select); coding-DNA position 1927, G replaced by A.
Protein change: p.Gly643Arg; replaces glycine 643 with arginine.
Molecular consequence: missense variant.
Genome position (GRCh38, 1-based): chr14:68,882,484, C>T on the plus strand (G>A on the coding strand, the complement: ACTN1 is on the minus strand). VCF-style: chr14-68882484-C-T. GRCh37 (hg19) VCF-style: chr14-69349201-C-T.
Other names: c.1927G>A, p.Gly643Arg (NM_001102.4, NM_001130005.2, NM_001424012.1 and 2 more transcripts); c.1951G>A, p.Gly651Arg (NM_001411035.1, NM_001424016.1); c.1732G>A, p.Gly578Arg (NM_001411036.1, NM_001424026.1, NM_001424028.1); c.2053G>A, p.Gly685Arg (NM_001424013.1); c.2014G>A, p.Gly672Arg (NM_001424015.1); c.1924G>A, p.Gly642Arg (NM_001424017.1); c.1888G>A, p.Gly630Arg (NM_001424018.1); c.1744G>A, p.Gly582Arg (NM_001424019.1, NM_001424024.1, NM_001424025.1 and 2 more transcripts); and 3 more; short protein forms G368R, G578R, G582R, G620R, G622R, G630R, G642R, G643R.
Identifiers: ClinVar variation 2628561 (VCV002628561.1), dbSNP rs753493094, ClinGen allele CA7242243.
Genomic context (GRCh38, chr14:68,882,484, plus strand): 5'-GAGCCCCAGCACTGCTTCCCAGCATGGGACCCACCTCCATCTTGGTCTGGATCCAGGGCC[C>T]GATGACATTGGCCTGGGCTCCAAACTGCTTGCGTAGCCTCTCATTGTGCTGCTGTCGGGC-3'
Protein context (NP_001123476.1, residues 633-653): KQFGAQANVI[Gly643Arg]PWIQTKMEEI

ClinVar aggregate classification (germline): Uncertain significance (1 of 4 stars; one submission).

Conditions:
ACTN1-related disorder. Also called: ACTN1-related condition.

Allele frequency attached by ClinVar (database versions not stated): gnomAD exomes 0.00001; gnomAD 0.00002; TOPMed 0.00002.
gnomAD v4.1: 16 of 1,614,052 alleles (0.00099%); highest among the groups gnomAD compares: East Asian, 0.025%; no homozygotes.

Submission:

PreventionGenetics, part of Exact Sciences
Classification: Uncertain significance for ACTN1-related condition. Last evaluated: 2023-03-09. Review status: criteria provided, single submitter. Criteria: ACMG Guidelines, 2015. Collection method: clinical testing. Allele origin: germline.
Comment: The ACTN1 c.1927G>A variant is predicted to result in the amino acid substitution p.Gly643Arg. To our knowledge, this variant has not been reported in the literature. This variant is reported in 0.00088% of alleles in individuals of European (Non-Finnish) descent in gnomAD. At this time, the clinical significance of this variant is uncertain due to the absence of conclusive functional and genetic evidence.